The following is an entry in ClinVar:

ClinVar aggregate classification (germline): Uncertain significance (1 of 4 stars; one submission).

Conditions:
Maturity-onset diabetes of the young (MODY). Also called: Maturity onset diabetes mellitus in young. Identifiers: Orphanet 552, MedGen C0342276, MONDO:0018911, HP:0004904.

Submission:

Clinical Genomics, Uppaluri K&H Personalized Medicine Clinic
Classification: Uncertain significance for Maturity-onset diabetes of the young. Review status: criteria provided, single submitter. Criteria: K & H Uppaluri Personalized Medicine Clinic Variant Classification & Assertion Criteria_Updated V.1. Collection method: research. Allele origin: unknown. Inheritance: Autosomal dominant inheritance.
Comment: HNF1B gene mutations are associated with early onset diabetes and pancreatic atrophy. It is also associated with multiple renal manifestations including renal cysts, Tubulointerstitial disease, glomerulocystic disease, renal hypoplasia, hypomagnesemia. However no sufficient evidence is found to ascertain the role of this particular variant rs756559188, yet.

Literature cited by the submitters: PubMed 24897035; PubMed 25536396; PubMed 27615128; PubMed 28215227; PubMed 33434175; PubMed 25741167; PubMed 26340261; PubMed 19639018.

NM_000458.4(HNF1B):c.-36del

Gene: HNF1B (HNF1 homeobox B; minus strand). Cytogenetic location: 17q12.
Variant type: Deletion.
Coding change: c.-36del on transcript NM_000458.4 (MANE Select); 36 bases upstream of the start codon, one base deleted (C; older notation c.-36delC).
Molecular consequence: 5 prime UTR variant.
Genome position (GRCh38, 1-based): chr17:37,744,920, G deleted on the plus strand (C on the coding strand, the reverse complement: HNF1B is on the minus strand); the first of 3 consecutive G bases (chr17:37,744,920-37,744,922); deleting any one gives the same sequence. VCF-style (leftmost placement, unchanged base first): chr17-37744919-TG-T. GRCh37 (hg19) VCF-style: chr17-36104910-TG-T.
Other names: c.-36del (NM_001165923.4, NM_001304286.2).
Identifiers: ClinVar variation 322950 (VCV000322950.6), dbSNP rs756559188, ClinGen allele CA8519184.